The following is an entry in ClinVar:

NM_001388453.1(QRICH2):c.4306G>A (p.Val1436Met)

Gene: QRICH2 (glutamine rich 2; minus strand). Cytogenetic location: 17q25.1.
Variant type: single nucleotide variant.
Coding change: c.4306G>A on transcript NM_001388453.1 (MANE Select); coding-DNA position 4306, G replaced by A.
Protein change: p.Val1436Met; replaces valine 1436 with methionine.
Molecular consequence: missense variant. On other transcripts: non-coding transcript variant (1).
Genome position (GRCh38, 1-based): chr17:76,280,911, C>T on the plus strand (G>A on the coding strand, the complement: QRICH2 is on the minus strand). VCF-style: chr17-76280911-C-T. GRCh37 (hg19) VCF-style: chr17-74276992-C-T.
Other names: p.Val1270Met; c.4306G>A, p.Val1436Met (NM_032134.3); short protein forms V1436M.
Identifiers: ClinVar variation 2507025 (VCV002507025.16), dbSNP rs555028656, ClinGen allele CA8783574.

ClinVar aggregate classification (germline): Conflicting classifications of pathogenicity. Review status: criteria provided, conflicting classifications (1 of 4 stars). 2 submissions from 2 submitters: Uncertain significance (1); Likely benign (1). Last evaluated 2024-11-01.

Conditions:
Spermatogenic failure 35. Identifiers: MedGen C5193038, MONDO:0032686, OMIM 618341.

Allele frequency attached by ClinVar (database versions not stated): TOPMed 0.00006; gnomAD 0.00037; gnomAD exomes 0.00061; ExAC 0.00154; 1000 Genomes Project 30x 0.00281; 1000 Genomes Project 0.00319.
gnomAD v4.1: 958 of 1,612,732 alleles (0.059%); highest among the groups gnomAD compares: South Asian, 1%; 18 homozygotes.

Submissions (2):

CeGaT Center for Human Genetics Tuebingen
Classification: Likely benign. Last evaluated: 2024-11-01. Review status: criteria provided, single submitter. Criteria: CeGaT Center For Human Genetics Tuebingen Variant Classification Criteria Version 2. Collection method: clinical testing. Allele origin: germline. Affected: yes. Observed: 1 variant allele.
Comment: QRICH2: BS2

Foundation for Research in Genetics and Endocrinology, FRIGE's Institute of Human Genetics
Classification: Uncertain significance for Spermatogenic failure 35. Review status: criteria provided, single submitter. Criteria: ACMG Guidelines, 2015. Collection method: clinical testing. Allele origin: germline. Inheritance: Autosomal recessive inheritance. Affected: yes.
Comment: A homozygous missense variation in exon 9 of the QRICH2 gene that results in substitution of methionine for valine at codon 1270. The variant has been reported in 1000 genomes and gnomAD databases with minor allele frequency of 0.319%and 0.13% respectively. The in silico predictions of the variant are damaging by SIFT, LRT, MutationTaster2, MVP and REVEL. The reference codon is conserved across species. In summary, the variant meets our criteria to be classified as a variant of uncertain significance.